The following is an entry in ClinVar:

ClinVar aggregate classification (germline): Uncertain significance (1 of 4 stars; one submission).

Conditions:
RASopathy. Also called: Noonan spectrum disorder; rasopathies. Identifiers: Orphanet 536391, MedGen C5555857, MONDO:0021060.

Submission:

Labcorp Genetics (formerly Invitae), Labcorp
Classification: Uncertain significance for RASopathy. Last evaluated: 2024-02-17. Review status: criteria provided, single submitter. Criteria: Invitae Variant Classification Sherloc (09022015). Collection method: clinical testing. Allele origin: germline.
Comment: This variant, c.2249_2251dup, results in the insertion of 1 amino acid(s) of the CBL protein (Splice site), but otherwise preserves the integrity of the reading frame. This variant is not present in population databases (gnomAD no frequency). This variant has not been reported in the literature in individuals affected with CBL-related conditions. ClinVar contains an entry for this variant (Variation ID: 854527). Experimental studies and prediction algorithms are not available or were not evaluated, and the functional significance of this variant is currently unknown. In summary, the available evidence is currently insufficient to determine the role of this variant in disease. Therefore, it has been classified as a Variant of Uncertain Significance.

NM_005188.4(CBL):c.2249_2251dup (p.Phe750_Gly751insVal)

Gene: CBL (Cbl proto-oncogene; plus strand). Cytogenetic location: 11q23.3.
Variant type: Duplication.
Coding change: c.2249_2251dup on transcript NM_005188.4 (MANE Select); coding-DNA positions 2249 to 2251, 3 bases duplicated (TTG; older notation c.2249_2251dupTTG).
Protein change: p.Phe750_Gly751insVal.
Molecular consequence: inframe insertion.
Genome position (GRCh38, 1-based): chr11:119,297,479-119,297,481, TTG duplicated. VCF-style (leftmost placement, unchanged base first): chr11-119297478-T-TTTG. GRCh37 (hg19) VCF-style: chr11-119168188-T-TTTG.
Identifiers: ClinVar variation 854527 (VCV000854527.9), dbSNP rs1950072398, ClinGen allele CA916081657.
Genomic context (GRCh38, chr11:119,297,478, plus strand): 5'-ACGTATGAAGCAATGTATAATATTCAGTCCCAGGCGCCATCTATCACCGAGAGCAGCACC[T>TTTG]TTGGTAAGTTGCCATTCTGCTACTTTAAAAATCATTGATATGTCATAGGAATGAACATGT-3'